The following is an entry in ClinVar:

ClinVar aggregate classification (germline): Uncertain significance (1 of 4 stars; one submission).

Conditions:
Vici syndrome (VICIS). Identifiers: Orphanet 1493, MedGen C1855772, MONDO:0009452, OMIM 242840.

Allele frequency attached by ClinVar (database versions not stated): TOPMed below 0.00001; gnomAD 0.00001.
gnomAD v4.1: 7 of 1,599,096 alleles (0.00044%); highest among the groups gnomAD compares: East Asian, 0.0023%; no homozygotes.

Submission:

Labcorp Genetics (formerly Invitae), Labcorp
Classification: Uncertain significance for Vici syndrome. Last evaluated: 2023-05-24. Review status: criteria provided, single submitter. Criteria: Invitae Variant Classification Sherloc (09022015). Collection method: clinical testing. Allele origin: germline.
Comment: In summary, the available evidence is currently insufficient to determine the role of this variant in disease. Therefore, it has been classified as a Variant of Uncertain Significance. Advanced modeling of protein sequence and biophysical properties (such as structural, functional, and spatial information, amino acid conservation, physicochemical variation, residue mobility, and thermodynamic stability) performed at Invitae indicates that this missense variant is not expected to disrupt EPG5 protein function. This variant has not been reported in the literature in individuals affected with EPG5-related conditions. This variant is not present in population databases (gnomAD no frequency). This sequence change replaces histidine, which is basic and polar, with arginine, which is basic and polar, at codon 1429 of the EPG5 protein (p.His1429Arg).

NM_020964.3(EPG5):c.4286A>G (p.His1429Arg)

Gene: EPG5 (ectopic P-granules 5 autophagy tethering factor; minus strand). Cytogenetic location: 18q21.1.
Variant type: single nucleotide variant.
Coding change: c.4286A>G on transcript NM_020964.3 (MANE Select); coding-DNA position 4286, A replaced by G.
Protein change: p.His1429Arg; replaces histidine 1429 with arginine.
Molecular consequence: missense variant.
Genome position (GRCh38, 1-based): chr18:45,908,001, T>C on the plus strand (A>G on the coding strand, the complement: EPG5 is on the minus strand). VCF-style: chr18-45908001-T-C. GRCh37 (hg19) VCF-style: chr18-43487966-T-C.
Other names: c.4286A>G, p.His1429Arg (NM_001410858.1, NM_001410859.1); short protein forms H1429R.
Identifiers: ClinVar variation 3023673 (VCV003023673.3), dbSNP rs1329572416, ClinGen allele CA402338785.